The following is an entry in ClinVar:

ClinVar aggregate classification (germline): Uncertain significance (1 of 4 stars; one submission).

Submission:

CeGaT Center for Human Genetics Tuebingen
Classification: Uncertain significance. Last evaluated: 2023-07-01. Review status: criteria provided, single submitter. Criteria: CeGaT Center For Human Genetics Tuebingen Variant Classification Criteria Version 2. Collection method: clinical testing. Allele origin: germline. Affected: yes. Observed: 1 variant allele.
Comment: CEL: PM2, PP3

NM_001807.6(CEL):c.340G>A (p.Val114Ile)

Gene: CEL (carboxyl ester lipase; plus strand). Cytogenetic location: 9q34.13.
Variant type: single nucleotide variant.
Coding change: c.340G>A on transcript NM_001807.6 (MANE Select); coding-DNA position 340, G replaced by A.
Protein change: p.Val114Ile; replaces valine 114 with isoleucine.
Molecular consequence: missense variant.
Genome position (GRCh38, 1-based): chr9:133,064,762, G>A. VCF-style: chr9-133064762-G-A. GRCh37 (hg19) VCF-style: chr9-135940149-G-A.
Other names: short protein forms V114I.
Identifiers: ClinVar variation 2659664 (VCV002659664.24), dbSNP rs2490424302, ClinGen allele CA375391406.